The following is an entry in ClinVar:

ClinVar aggregate classification (germline): Uncertain significance. Review status: criteria provided, multiple submitters, no conflicts (2 of 4 stars). 2 submissions from 2 submitters: Uncertain significance (2). Last evaluated 2024-01-04.

Conditions:
Inborn genetic diseases. Identifiers: MedGen C0950123, MeSH D030342.
Hyperphosphatasia with impaired intellectual development syndrome 2. Also called: Hyperphosphatasia with intellectual disability syndrome 2; GLYCOSYLPHOSPHATIDYLINOSITOL BIOSYNTHESIS DEFECT 6. Identifiers: Orphanet 247262, MedGen C3553637, MONDO:0013882, OMIM 614749.

Allele frequency attached by ClinVar (database versions not stated): gnomAD 0.00005; TOPMed 0.00004; ESP Exome Variant Server 0.00008; 1000 Genomes Project 30x 0.00016; 1000 Genomes Project 0.00020.
gnomAD v4.1: 23 of 1,611,734 alleles (0.0014%); highest among the groups gnomAD compares: African/African-American, 0.0067%; no homozygotes.

Submissions (2):

Ambry Genetics
Classification: Uncertain significance for Inborn genetic diseases. Last evaluated: 2024-01-04. Review status: criteria provided, single submitter. Criteria: Ambry Variant Classification Scheme 2023. Collection method: clinical testing. Allele origin: germline.

Labcorp Genetics (formerly Invitae), Labcorp
Classification: Uncertain significance for Hyperphosphatasia with impaired intellectual development syndrome 2. Last evaluated: 2022-05-19. Review status: criteria provided, single submitter. Criteria: Invitae Variant Classification Sherloc (09022015). Collection method: clinical testing. Allele origin: germline.
Comment: This sequence change replaces arginine, which is basic and polar, with cysteine, which is neutral and slightly polar, at codon 731 of the PIGO protein (p.Arg731Cys). This variant is present in population databases (rs148341577, gnomAD 0.01%). This variant has not been reported in the literature in individuals affected with PIGO-related conditions. Algorithms developed to predict the effect of missense changes on protein structure and function are either unavailable or do not agree on the potential impact of this missense change (SIFT: "Deleterious"; PolyPhen-2: "Possibly Damaging"; Align-GVGD: "Class C0"). In summary, the available evidence is currently insufficient to determine the role of this variant in disease. Therefore, it has been classified as a Variant of Uncertain Significance.

NM_032634.4(PIGO):c.2191C>T (p.Arg731Cys)

Gene: PIGO (phosphatidylinositol glycan anchor biosynthesis class O; minus strand). Cytogenetic location: 9p13.3.
Variant type: single nucleotide variant.
Coding change: c.2191C>T on transcript NM_032634.4 (MANE Select); coding-DNA position 2191, C replaced by T.
Protein change: p.Arg731Cys; replaces arginine 731 with cysteine.
Molecular consequence: missense variant. On other transcripts: intron variant (2).
Genome position (GRCh38, 1-based): chr9:35,091,696, G>A on the plus strand (C>T on the coding strand, the complement: PIGO is on the minus strand). VCF-style: chr9-35091696-G-A. GRCh37 (hg19) VCF-style: chr9-35091693-G-A.
Other names: c.1345-405C>T (NM_152850.4, NM_001201484.2); c.2191C>T (NM_032634.3); short protein forms R731C.
Identifiers: ClinVar variation 1375479 (VCV001375479.4), dbSNP rs148341577, ClinGen allele CA5040480.